The following is an entry in ClinVar:

ClinVar aggregate classification (germline): Uncertain significance. Review status: criteria provided, multiple submitters, no conflicts (2 of 4 stars). 3 submissions from 3 submitters: Uncertain significance (3). Last evaluated 2025-05-13.

Conditions:
Inborn genetic diseases. Identifiers: MedGen C0950123, MeSH D030342.

Allele frequency attached by ClinVar (database versions not stated): TOPMed 0.00001.
gnomAD v4.1: 5 of 1,613,634 alleles (0.00031%); highest among the groups gnomAD compares: Non-Finnish European, 0.00042%; no homozygotes.

Submissions (3):

Ambry Genetics
Classification: Uncertain significance for Inborn genetic diseases. Last evaluated: 2025-05-13. Review status: criteria provided, single submitter. Criteria: Ambry Variant Classification Scheme 2023. Collection method: clinical testing. Allele origin: germline.

Labcorp Genetics (formerly Invitae), Labcorp
Classification: Uncertain significance. Last evaluated: 2023-09-03. Review status: criteria provided, single submitter. Criteria: Invitae Variant Classification Sherloc (09022015). Collection method: clinical testing. Allele origin: germline.
Comment: In summary, the available evidence is currently insufficient to determine the role of this variant in disease. Therefore, it has been classified as a Variant of Uncertain Significance. Advanced modeling of protein sequence and biophysical properties (such as structural, functional, and spatial information, amino acid conservation, physicochemical variation, residue mobility, and thermodynamic stability) performed at Invitae indicates that this missense variant is not expected to disrupt PROM1 protein function. ClinVar contains an entry for this variant (Variation ID: 2101069). This variant has not been reported in the literature in individuals affected with PROM1-related conditions. This variant is present in population databases (no rsID available, gnomAD 0.003%). This sequence change replaces valine, which is neutral and non-polar, with leucine, which is neutral and non-polar, at codon 294 of the PROM1 protein (p.Val294Leu).

Blueprint Genetics
Classification: Uncertain significance. Last evaluated: 2021-11-10. Review status: criteria provided, single submitter. Criteria: ACMG Guidelines, 2015. Collection method: clinical testing. Allele origin: germline.

NM_006017.3(PROM1):c.880G>C (p.Val294Leu)

Gene: PROM1 (prominin 1; minus strand). Cytogenetic location: 4p15.32.
Variant type: single nucleotide variant.
Coding change: c.880G>C on transcript NM_006017.3 (MANE Select); coding-DNA position 880, G replaced by C.
Protein change: p.Val294Leu; replaces valine 294 with leucine.
Molecular consequence: missense variant.
Genome position (GRCh38, 1-based): chr4:16,018,445, C>G on the plus strand (G>C on the coding strand, the complement: PROM1 is on the minus strand). VCF-style: chr4-16018445-C-G. GRCh37 (hg19) VCF-style: chr4-16020068-C-G.
Other names: c.853G>C, p.Val285Leu (NM_001145847.2, NM_001145848.2, NM_001145851.2 and 4 more transcripts); c.880G>C, p.Val294Leu (NM_001145849.2, NM_001145850.2); c.880G>C (NM_006017.2); short protein forms V285L, V294L.
Identifiers: ClinVar variation 2101069 (VCV002101069.6), dbSNP rs777036344, ClinGen allele CA356419849.
Genomic context (GRCh38, chr4:16,018,445, plus strand): 5'-CACTTGATGGATGCACCAAGCACAGAGGGTCATTGAGAGATGACCGCAGGCTAGTTTTCA[C>G]GCTGGTCAGACTGCTGCTAAGCTGTGTACTTTGTTGGTGCAAGCTCTTCAAGGTGCTGTT-3'
Protein context (NP_006008.1, residues 284-304): STQLSSSLTS[Val294Leu]KTSLRSSLND